The following is an entry in ClinVar:

NM_199420.4(POLQ):c.5603C>G (p.Ala1868Gly)

Gene: POLQ (DNA polymerase theta; minus strand). Cytogenetic location: 3q13.33.
Variant type: single nucleotide variant.
Coding change: c.5603C>G on transcript NM_199420.4 (MANE Select); coding-DNA position 5603, C replaced by G.
Protein change: p.Ala1868Gly; replaces alanine 1868 with glycine.
Molecular consequence: missense variant.
Genome position (GRCh38, 1-based): chr3:121,487,328, G>C on the plus strand (C>G on the coding strand, the complement: POLQ is on the minus strand). VCF-style: chr3-121487328-G-C. GRCh37 (hg19) VCF-style: chr3-121206175-G-C.
Other names: short protein forms A1868G.
Identifiers: ClinVar variation 1748583 (VCV001748583.2), dbSNP rs898713611, ClinGen allele CA354089815.

ClinVar aggregate classification (germline): Uncertain significance (1 of 4 stars; one submission).

Submission:

Ambry Genetics
Classification: Uncertain significance. Last evaluated: 2021-08-27. Review status: criteria provided, single submitter. Criteria: Ambry Variant Classification Scheme 2023. Collection method: clinical testing. Allele origin: germline.
Comment: The p.A1868G variant (also known as c.5603C>G), located in coding exon 16 of the POLQ gene, results from a C to G substitution at nucleotide position 5603. The alanine at codon 1868 is replaced by glycine, an amino acid with similar properties. This amino acid position is conserved. In addition, this alteration is predicted to be tolerated by in silico analysis. Since supporting evidence is limited at this time, the clinical significance of this alteration remains unclear.